The following is an entry in ClinVar:

ClinVar aggregate classification (germline): Uncertain significance (1 of 4 stars; one submission).

Allele frequency attached by ClinVar (database versions not stated): ExAC 0.00001; TOPMed 0.00002; ESP Exome Variant Server 0.00008.
gnomAD v4.1: 1 of 1,607,712 alleles (0.000062%); no homozygotes.

Submission:

CeGaT Center for Human Genetics Tuebingen
Classification: Uncertain significance. Last evaluated: 2024-05-01. Review status: criteria provided, single submitter. Criteria: CeGaT Center For Human Genetics Tuebingen Variant Classification Criteria Version 2. Collection method: clinical testing. Allele origin: germline. Affected: yes. Observed: 1 variant allele.
Comment: WDFY3: PM2, BP4

NM_014991.6(WDFY3):c.7234A>G (p.Ser2412Gly)

Gene: WDFY3 (WD repeat and FYVE domain containing 3; minus strand). Cytogenetic location: 4q21.23.
Variant type: single nucleotide variant.
Coding change: c.7234A>G on transcript NM_014991.6 (MANE Select); coding-DNA position 7234, A replaced by G.
Protein change: p.Ser2412Gly; replaces serine 2412 with glycine.
Molecular consequence: missense variant.
Genome position (GRCh38, 1-based): chr4:84,726,899, T>C on the plus strand (A>G on the coding strand, the complement: WDFY3 is on the minus strand). VCF-style: chr4-84726899-T-C. GRCh37 (hg19) VCF-style: chr4-85648052-T-C.
Other names: short protein forms S2412G.
Identifiers: ClinVar variation 3239200 (VCV003239200.19), dbSNP rs377255537.